The following is an entry in ClinVar:

NM_018834.6(MATR3):c.*2174C>T

Gene: MATR3 (matrin 3; plus strand). Cytogenetic location: 5q31.2.
Variant type: single nucleotide variant.
Coding change: c.*2174C>T on transcript NM_018834.6 (MANE Select); 2174 bases downstream of the stop codon, C replaced by T.
Molecular consequence: 3 prime UTR variant.
Genome position (GRCh38, 1-based): chr5:139,331,569, C>T. VCF-style: chr5-139331569-C-T. GRCh37 (hg19) VCF-style: chr5-138667258-C-T.
Other names: c.*2174C>T (NM_001194954.2, NM_001194955.2, NM_001194956.2 and 2 more transcripts).
Identifiers: ClinVar variation 351183 (VCV000351183.5), dbSNP rs775200100, ClinGen allele CA3433637.

ClinVar aggregate classification (germline): Benign (1 of 4 stars; one submission).

Conditions:
Amyotrophic lateral sclerosis type 21. Also called: VOCAL CORD AND PHARYNGEAL DYSFUNCTION WITH DISTAL MYOPATHY; MYOPATHY, DISTAL, 2. Identifiers: Orphanet 600, Orphanet 803, MedGen C3807521, MONDO:0011632, OMIM 606070.

Allele frequency attached by ClinVar (database versions not stated): gnomAD exomes 0.00008 and 0.00011; TOPMed 0.00010; gnomAD 0.00011 and 0.00012; 1000 Genomes Project 30x 0.00016; ExAC 0.00028.
gnomAD v4.1: 42 of 454,140 alleles (0.0092%); highest among the groups gnomAD compares: Admixed American, 0.038%; no homozygotes.

Submission:

Illumina Laboratory Services, Illumina
Classification: Benign for Amyotrophic lateral sclerosis type 21. Last evaluated: 2018-01-12. Review status: criteria provided, single submitter. Criteria: ICSL Variant Classification Criteria 13 December 2019. Collection method: clinical testing. Allele origin: germline.
Comment: This variant was observed in the ICSL laboratory as part of a predisposition screen in an ostensibly healthy population. It had not been previously curated by ICSL or reported in the Human Gene Mutation Database (HGMD: prior to June 1st, 2018), and was therefore a candidate for classification through an automated scoring system. Utilizing variant allele frequency, disease prevalence and penetrance estimates, and inheritance mode, an automated score was calculated to assess if this variant is too frequent to cause the disease. Based on the score and internal cut-off values, a variant classified as benign is not then subjected to further curation. The score for this variant resulted in a classification of benign for this disease.